The following is an entry in ClinVar:

NM_024675.4(PALB2):c.1273G>C (p.Val425Leu)

Gene: PALB2 (partner and localizer of BRCA2; minus strand). Cytogenetic location: 16p12.2.
Variant type: single nucleotide variant.
Coding change: c.1273G>C on transcript NM_024675.4 (MANE Select); coding-DNA position 1273, G replaced by C.
Protein change: p.Val425Leu; replaces valine 425 with leucine.
Molecular consequence: missense variant.
Genome position (GRCh38, 1-based): chr16:23,635,273, C>G on the plus strand (G>C on the coding strand, the complement: PALB2 is on the minus strand). VCF-style: chr16-23635273-C-G. GRCh37 (hg19) VCF-style: chr16-23646594-C-G.
Other names: c.1213G>C, p.Val405Leu (NM_001407296.1); c.1273G>C, p.Val425Leu (NM_001407297.1, NM_001407298.1, NM_001407299.1 and 3 more transcripts); c.388G>C, p.Val130Leu (NM_001407304.1, NM_001407305.1, NM_001407306.1 and 5 more transcripts); short protein forms V405L, V130L, V425L.
Identifiers: ClinVar variation 1766078 (VCV001766078.5), dbSNP rs576081828, ClinGen allele CA395132638.
Genomic context (GRCh38, chr16:23,635,273, plus strand): 5'-TATTTTTATTTTTAAACCCTTTTTTCTTGACATCCAAATGACTCTGAATGACAGCCTCCA[C>G]GGCTACTTTCCTCTGGCAATTGGACATGCTTCGTGTTGTTCTAACATAATATTCTGCAGG-3'
Protein context (NP_078951.2, residues 415-435): SMSNCQRKVA[Val425Leu]EAVIQSHLDV

ClinVar aggregate classification (germline): Conflicting classifications of pathogenicity. Review status: criteria provided, conflicting classifications (1 of 4 stars). 2 submissions from 2 submitters: Uncertain significance (1); Likely benign (1). Last evaluated 2024-05-28.

Conditions:
Hereditary cancer-predisposing syndrome. Also called: Neoplastic Syndromes, Hereditary; Tumor predisposition; Hereditary Cancer Syndrome; Hereditary neoplastic syndrome. Identifiers: Orphanet 140162, MedGen C0027672, MeSH D009386, MONDO:0015356.
Familial cancer of breast. Also called: hereditary breast carcinoma; BREAST CANCER, FAMILIAL; Hereditary breast cancer. Identifiers: Orphanet 227535, MedGen C0346153, MONDO:0016419, OMIM 114480. Disease mechanism: loss of function.

gnomAD v4.1: 2 of 1,614,150 alleles (0.00012%); highest among the groups gnomAD compares: Non-Finnish European, 0.000085%; no homozygotes.

Submissions (2):

Labcorp Genetics (formerly Invitae), Labcorp
Classification: Uncertain significance for Familial cancer of breast. Last evaluated: 2024-05-28. Review status: criteria provided, single submitter. Criteria: Invitae Variant Classification Sherloc (09022015). Collection method: clinical testing. Allele origin: germline.
Comment: This sequence change replaces valine, which is neutral and non-polar, with leucine, which is neutral and non-polar, at codon 425 of the PALB2 protein (p.Val425Leu). This variant is not present in population databases (gnomAD no frequency). This variant has not been reported in the literature in individuals affected with PALB2-related conditions. ClinVar contains an entry for this variant (Variation ID: 1766078). Advanced modeling of protein sequence and biophysical properties (such as structural, functional, and spatial information, amino acid conservation, physicochemical variation, residue mobility, and thermodynamic stability) performed at Invitae indicates that this missense variant is not expected to disrupt PALB2 protein function with a negative predictive value of 80%. In summary, the available evidence is currently insufficient to determine the role of this variant in disease. Therefore, it has been classified as a Variant of Uncertain Significance.

Ambry Genetics
Classification: Likely benign for Hereditary cancer-predisposing syndrome. Last evaluated: 2024-04-22. Review status: criteria provided, single submitter. Criteria: Ambry Variant Classification Scheme 2023. Collection method: clinical testing. Allele origin: germline.